The following continues an entry in ClinVar:

NM_000478.6(ALPL):c.407G>A (p.Arg136His)

Gene: ALPL. ClinVar aggregate classification (germline): Pathogenic/Likely pathogenic. Pathogenic (25); Likely pathogenic (1).

Submissions 22 to 30 of 30:

Genome Diagnostics Laboratory, The Hospital for Sick Children
Classification: Likely pathogenic for Osteogenesis imperfecta. Last evaluated: 2019-12-16. Review status: criteria provided, single submitter. Criteria: ACMG Guidelines, 2015. Collection method: clinical testing. Allele origin: germline.

Baylor Genetics
Classification: Pathogenic for Childhood hypophosphatasia. Last evaluated: 2019-04-22. Review status: criteria provided, single submitter. Criteria: ACMG Guidelines, 2015. Collection method: clinical testing. Allele origin: unknown. Affected: yes.
Comment: This variant was determined to be pathogenic according to ACMG Guidelines, 2015 [PMID:25741868].

Center of Genomic medicine, Geneva, University Hospital of Geneva
Classification: Pathogenic for Adult hypophosphatasia. Last evaluated: 2018-07-24. Review status: criteria provided, single submitter. Criteria: ACMG Guidelines, 2015. Collection method: clinical testing. Allele origin: germline. Affected: yes.

Illumina Laboratory Services, Illumina
Classification: Pathogenic for Hypophosphatasia. Last evaluated: 2017-04-28. Review status: criteria provided, single submitter. Criteria: ICSL Variant Classification Criteria 09 May 2019. Collection method: clinical testing. Allele origin: germline.
Comment: The ALPL c.407G>A (p.Arg136His) missense variant has been reported in at least seven studies in which it is found in a compound heterozygous state in eight individuals with hypophosphatasia, including two with the infantile form, two with the childhood form, and four with mild symptoms, and in a heterozygous state in two individuals with the adult form of hypophosphatasia. The p.Arg136His variant was also found in a heterozygous state in two asymptomatic parents with low alkaline phosphatase activity and one asymptomatic individual with unknown alkaline phosphatase activity (Taillandier et al. 1998; Taillandier et al. 2001; Mumm et al. 2002; Brun-Heath et al. 2005; Fauvert et al. 2009; Cui et al. 2012; Riancho-Zarrabeitia et al. 2016). The p.Arg136His variant appears to be associated with more severe clinical symptoms when expressed in a compound heterozygous state with an additional ALPL variant. Control data are unavailable for this variant, which is reported at a frequency of 0.00030 in the European (non-Finnish) population of the Exome Aggregation Consortium. Functional studies demonstrated that the p.Arg136His variant protein displays one-third of the activity of the wild type alkaline phosphatase and does not have a dominant-negative effect when co-expressed with the wild type form (Zurutuza et al. 1999; Fauvert et al. 2009). Based on the collective evidence, the p.Arg136His variant is classified as pathogenic for hypophosphatasia. This variant was observed by ICSL as part of a predisposition screen in an ostensibly healthy population.

Juno Genomics, Hangzhou Juno Genomics, Inc
Classification: Pathogenic for Adult hypophosphatasia; Childhood hypophosphatasia; Infantile hypophosphatasia. Review status: criteria provided, single submitter. Criteria: ACMG Guidelines, 2015. Collection method: clinical testing. Allele origin: germline.
Comment: Absent from controls (or at extremely low frequency if recessive) in Genome Aggregation Database.;For recessive disorders, detected in trans with a pathogenic variant.;Patient's phenotype or family history is highly specific for a disease with a single genetic etiology.;The prevalence of the variant in affected individuals is significantly increased compared to the prevalence in controls.;Well-established in vitro or in vivo functional studies supportive of a damaging effect on the gene or gene product.

Counsyl
Classification: Pathogenic for Infantile hypophosphatasia. Last evaluated: 2018-12-21. Review status: no assertion criteria provided. Collection method: clinical testing. Allele origin: unknown. Not counted in ClinVar's aggregate classification.

Molecular Genetics Laboratory, BC Children's and BC Women's Hospitals
Classification: Pathogenic. Last evaluated: 2018-07-06. Review status: no assertion criteria provided. Criteria: ACMG Guidelines, 2015. Collection method: clinical testing. Allele origin: germline. Affected: yes. Not counted in ClinVar's aggregate classification.

OMIM
Classification: Pathogenic for HYPOPHOSPHATASIA, CHILDHOOD. Last evaluated: 1999-06-01. Review status: no assertion criteria provided. Collection method: literature only. Allele origin: germline. Not counted in ClinVar's aggregate classification.

Genomics England Pilot Project, Genomics England
Classification: Likely pathogenic for Adult hypophosphatasia. Review status: no assertion criteria provided. Criteria: ACGS Guidelines, 2016. Collection method: clinical testing. Allele origin: germline. Affected: yes. Not counted in ClinVar's aggregate classification.

Literature cited by the submitters: PubMed 10094560 (cited by 6 submitters); PubMed 10332035 (cited by 7 submitters); PubMed 11438998 (cited by 4 submitters); PubMed 11855933 (cited by 4 submitters); PubMed 15694177 (cited by 4 submitters); PubMed 19500388 (cited by 8 submitters); PubMed 22397652 (cited by Myriad Genetics, Inc. and Counsyl); PubMed 24276437 (cited by 4 submitters); PubMed 25731960 (cited by 5 submitters); PubMed 28127875 (cited by Myriad Genetics, Inc. and Counsyl); PubMed 28506345 (cited by Myriad Genetics, Inc. and Counsyl); PubMed 29724887 (cited by Myriad Genetics, Inc. and Natera, Inc.); PubMed 31707452 (cited by 5 submitters); PubMed 32160374 (cited by 4 submitters); PubMed 32811521 (cited by Myriad Genetics, Inc. and Genomenon, Inc); PubMed 32912883 (cited by Myriad Genetics, Inc.); PubMed 34189384 (cited by Myriad Genetics, Inc.); PubMed 34213743 (cited by Myriad Genetics, Inc. and Victorian Clinical Genetics Services, Murdoch Childrens Research Institute); PubMed 26783040 (cited by Labcorp Genetics (formerly Invitae), Labcorp and Illumina Laboratory Services, Illumina); PubMed 22913777 (cited by Labcorp Genetics (formerly Invitae), Labcorp and Illumina Laboratory Services, Illumina); PubMed 24022022 (cited by Labcorp Genetics (formerly Invitae), Labcorp); PubMed 31600233 (cited by 4 submitters); PubMed 40035361 (cited by Variantyx, Inc.); PubMed 29236161 (cited by 3 submitters); PubMed 33579333 (cited by Genomenon, Inc); PubMed 32973344 (cited by Genomenon, Inc); PubMed 37600704 (cited by Genomenon, Inc); PubMed 36708496 (cited by Victorian Clinical Genetics Services, Murdoch Childrens Research Institute); PubMed 20301329 (cited by Victorian Clinical Genetics Services, Murdoch Childrens Research Institute); PubMed 23688511 (cited by Victorian Clinical Genetics Services, Murdoch Childrens Research Institute); PubMed 34712267 (cited by Women's Health and Genetics/Laboratory Corporation of America, LabCorp and Johns Hopkins Genomics, Johns Hopkins University); PubMed 36352425 (cited by Women's Health and Genetics/Laboratory Corporation of America, LabCorp).